The following is an entry in ClinVar:

ClinVar aggregate classification (germline): Uncertain significance (1 of 4 stars; one submission).

Submission:

GeneDx
Classification: Uncertain significance. Last evaluated: 2024-06-08. Review status: criteria provided, single submitter. Criteria: GeneDx Variant Classification Process June 2021. Collection method: clinical testing. Allele origin: germline. Affected: yes.
Comment: Not observed at significant frequency in large population cohorts (gnomAD); In silico analysis indicates that this missense variant does not alter protein structure/function; Has not been previously published as pathogenic or benign to our knowledge

NM_004541.4(NDUFA1):c.28T>C (p.Ser10Pro)

Genes: NDUFA1 (NADH:ubiquinone oxidoreductase subunit A1; plus strand), LOC130068621 (ATAC-STARR-seq lymphoblastoid active region 29902; plus strand). Cytogenetic location: Xq24.
Variant type: single nucleotide variant.
Coding change: c.28T>C on transcript NM_004541.4 (MANE Select); coding-DNA position 28, T replaced by C.
Protein change: p.Ser10Pro; replaces serine 10 with proline.
Molecular consequence: missense variant.
Genome position (GRCh38, 1-based): chrX:119,871,939, T>C. VCF-style: chrX-119871939-T-C. GRCh37 (hg19) VCF-style: chrX-119005902-T-C.
Other names: short protein forms S10P.
Identifiers: ClinVar variation 3384296 (VCV003384296.1).